The following is an entry in ClinVar:

ClinVar aggregate classification (germline): Uncertain significance (1 of 4 stars; one submission).

Allele frequency attached by ClinVar (database versions not stated): gnomAD exomes below 0.00001; ExAC 0.00002.
gnomAD v4.1: 5 of 1,614,036 alleles (0.00031%); highest among the groups gnomAD compares: Non-Finnish European, 0.00042%; no homozygotes.

Submission:

Labcorp Genetics (formerly Invitae), Labcorp
Classification: Uncertain significance. Last evaluated: 2023-04-09. Review status: criteria provided, single submitter. Criteria: Invitae Variant Classification Sherloc (09022015). Collection method: clinical testing. Allele origin: germline.
Comment: In summary, the available evidence is currently insufficient to determine the role of this variant in disease. Therefore, it has been classified as a Variant of Uncertain Significance. An algorithm developed to predict the effect of missense changes on protein structure and function (PolyPhen-2) suggests that this variant is likely to be tolerated. This variant has not been reported in the literature in individuals affected with LAMTOR2-related conditions. This variant is present in population databases (rs756924781, gnomAD 0.002%). This sequence change replaces alanine, which is neutral and non-polar, with valine, which is neutral and non-polar, at codon 124 of the LAMTOR2 protein (p.Ala124Val).

NM_014017.4(LAMTOR2):c.371C>T (p.Ala124Val)

Gene: LAMTOR2 (late endosomal/lysosomal adaptor, MAPK and MTOR activator 2; plus strand). Cytogenetic location: 1q22.
Variant type: single nucleotide variant.
Coding change: c.371C>T on transcript NM_014017.4 (MANE Select); coding-DNA position 371, C replaced by T.
Protein change: p.Ala124Val; replaces alanine 124 with valine.
Molecular consequence: missense variant.
Genome position (GRCh38, 1-based): chr1:156,058,364, C>T. VCF-style: chr1-156058364-C-T. GRCh37 (hg19) VCF-style: chr1-156028155-C-T.
Other names: c.281C>T, p.Ala94Val (NM_001145264.2); short protein forms A124V, A94V.
Identifiers: ClinVar variation 2854475 (VCV002854475.3), dbSNP rs756924781, ClinGen allele CA1154397.